The following is an entry in ClinVar:

NM_001267550.2(TTN):c.46269G>A (p.Trp15423Ter)

Gene: TTN (titin; minus strand). Cytogenetic location: 2q31.2.
Variant type: single nucleotide variant.
Coding change: c.46269G>A on transcript NM_001267550.2 (MANE Select); coding-DNA position 46269, G replaced by A.
Protein change: p.Trp15423Ter; replaces tryptophan 15423 with a stop codon.
Molecular consequence: nonsense.
Genome position (GRCh38, 1-based): chr2:178,620,252, C>T on the plus strand (G>A on the coding strand, the complement: TTN is on the minus strand). VCF-style: chr2-178620252-C-T. GRCh37 (hg19) VCF-style: chr2-179484979-C-T.
Other names: c.41346G>A, p.Trp13782Ter (NM_001256850.1); c.19074G>A, p.Trp6358Ter (NM_003319.4); c.38565G>A, p.Trp12855Ter (NM_133378.4); c.19449G>A, p.Trp6483Ter (NM_133432.3); c.19650G>A, p.Trp6550Ter (NM_133437.4); short protein forms W12855*, W13782*, W15423*, W6358*, W6483*, W6550*.
Identifiers: ClinVar variation 3759910 (VCV003759910.2).
Genomic context (GRCh38, chr2:178,620,252, plus strand): 5'-TAGAGAATAAAAAGATCTTGCTTACTTTTTGCCTTCTTTGATTTCTCTCCCATTTCTGTA[C>T]CATTTTACATTGGCTTTCTCTCTGGAGAGCTGGCAGGAGAAGACAGCGTCATCGAACTCA-3'

ClinVar aggregate classification (germline): Likely pathogenic (1 of 4 stars; one submission).

Conditions:
Dilated cardiomyopathy 1G (CMD1G). Identifiers: Orphanet 154, MedGen C1858763, MONDO:0011400, OMIM 604145.
Autosomal recessive limb-girdle muscular dystrophy type 2J (LGMDR10). Also called: Limb-girdle muscular dystrophy, type 2J; MUSCULAR DYSTROPHY, LIMB-GIRDLE, AUTOSOMAL RECESSIVE 10. Identifiers: Orphanet 140922, MedGen C1837342, MONDO:0012127, OMIM 608807.

Submission:

Labcorp Genetics (formerly Invitae), Labcorp
Classification: Likely pathogenic for Dilated cardiomyopathy 1G; Autosomal recessive limb-girdle muscular dystrophy type 2J. Last evaluated: 2024-11-27. Review status: criteria provided, single submitter. Criteria: Invitae Variant Classification Sherloc (09022015). Collection method: clinical testing. Allele origin: germline.
Comment: This sequence change creates a premature translational stop signal (p.Trp15423*) in the TTN gene. While this is not anticipated to result in nonsense mediated decay, it is expected to create a truncated TTN protein. This variant is not present in population databases (gnomAD no frequency). This variant has not been reported in the literature in individuals affected with TTN-related conditions. This variant is located in the I band of TTN (PMID: 25589632). Truncating variants in this region have been reported in individuals affected with autosomal recessive centronuclear myopathy (PMID: 23975875, internal data). Truncating variants in this region have also been identified in individuals affected with autosomal dominant dilated cardiomyopathy and/or cardio-related conditions (PMID: 27869827, 32964742, internal data). In summary, the currently available evidence indicates that the variant is pathogenic, but additional data are needed to prove that conclusively. Therefore, this variant has been classified as Likely Pathogenic.

Literature cited by the submitters: PubMed 25589632; PubMed 23975875; PubMed 27869827; PubMed 32964742.